The following is an entry in ClinVar:

NM_001077350.3(NPRL3):c.735A>C (p.Pro245=)

Genes: HBA-LCR (alpha-globin locus control region; plus strand), NPRL3 (NPR3 like, GATOR1 complex subunit; minus strand). Cytogenetic location: 16p13.3.
Variant type: single nucleotide variant.
Coding change: c.735A>C on transcript NM_001077350.3 (MANE Select); coding-DNA position 735, A replaced by C.
Protein change: p.Pro245=; no amino-acid change (proline 245 retained).
Molecular consequence: synonymous variant.
Genome position (GRCh38, 1-based): chr16:100,404, T>G on the plus strand (A>C on the coding strand, the complement: NPRL3 is on the minus strand). VCF-style: chr16-100404-T-G. GRCh37 (hg19) VCF-style: chr16-150402-T-G.
Other names: c.198A>C, p.Pro66= (NM_001039476.3); c.501A>C, p.Pro167= (NM_001243247.2); c.660A>C, p.Pro220= (NM_001243248.2, NM_001243249.2).
Identifiers: ClinVar variation 799269 (VCV000799269.15), dbSNP rs775687534, ClinGen allele CA7769570.

ClinVar aggregate classification (germline): Likely benign. Review status: criteria provided, multiple submitters, no conflicts (2 of 4 stars). 2 submissions from 2 submitters: Likely benign (2). Last evaluated 2025-12-01.

Conditions:
Epilepsy, familial focal, with variable foci 3 (FFEVF3). Identifiers: MedGen C4310708, MONDO:0014925, OMIM 617118.

Allele frequency attached by ClinVar (database versions not stated): ExAC 0.00002; gnomAD exomes 0.00002; TOPMed 0.00002.
gnomAD v4.1: 27 of 1,599,592 alleles (0.0017%); highest among the groups gnomAD compares: Non-Finnish European, 0.0022%; no homozygotes.

Submissions (2):

CeGaT Center for Human Genetics Tuebingen
Classification: Likely benign. Last evaluated: 2025-12-01. Review status: criteria provided, single submitter. Criteria: CeGaT Center For Human Genetics Tuebingen Variant Classification Criteria Version 2. Collection method: clinical testing. Allele origin: germline. Affected: yes. Observed: 1 variant allele.
Comment: NPRL3: BP4, BP7

Labcorp Genetics (formerly Invitae), Labcorp
Classification: Likely benign for Epilepsy, familial focal, with variable foci 3. Last evaluated: 2025-08-21. Review status: criteria provided, single submitter. Criteria: Invitae Variant Classification Sherloc (09022015). Collection method: clinical testing. Allele origin: germline.